The following is an entry in ClinVar:

NM_001256545.2(MEGF10):c.3196A>T (p.Asn1066Tyr)

Gene: MEGF10 (multiple EGF like domains 10; plus strand). Cytogenetic location: 5q23.2.
Variant type: single nucleotide variant.
Coding change: c.3196A>T on transcript NM_001256545.2 (MANE Select); coding-DNA position 3196, A replaced by T.
Protein change: p.Asn1066Tyr; replaces asparagine 1066 with tyrosine.
Molecular consequence: missense variant.
Genome position (GRCh38, 1-based): chr5:127,455,571, A>T. VCF-style: chr5-127455571-A-T. GRCh37 (hg19) VCF-style: chr5-126791263-A-T.
Other names: c.3196A>T (NM_032446.2); c.3196A>T, p.Asn1066Tyr (NM_032446.3); short protein forms N1066Y.
Identifiers: ClinVar variation 1442160 (VCV001442160.6), dbSNP rs200848884, ClinGen allele CA3392157.

ClinVar aggregate classification (germline): Uncertain significance. Review status: criteria provided, multiple submitters, no conflicts (2 of 4 stars). 2 submissions from 2 submitters: Uncertain significance (2). Last evaluated 2024-02-12.

Conditions:
Inborn genetic diseases. Identifiers: MedGen C0950123, MeSH D030342.
MEGF10-related myopathy (CMYO10A). Also called: Congenital myopathy 10A, severe variant. Identifiers: Orphanet 439212, MedGen C3280679, MONDO:0013731, OMIM 614399.

Allele frequency attached by ClinVar (database versions not stated): gnomAD exomes 0.00001 and 0.00002; ExAC 0.00002; gnomAD 0.00003; TOPMed 0.00004; ESP Exome Variant Server 0.00008.
gnomAD v4.1: 21 of 1,614,036 alleles (0.0013%); highest among the groups gnomAD compares: Admixed American, 0.0017%; no homozygotes.

Submissions (2):

Ambry Genetics
Classification: Uncertain significance for Inborn genetic diseases. Last evaluated: 2024-02-12. Review status: criteria provided, single submitter. Criteria: Ambry Variant Classification Scheme 2023. Collection method: clinical testing. Allele origin: germline.

Labcorp Genetics (formerly Invitae), Labcorp
Classification: Uncertain significance for MEGF10-related myopathy. Last evaluated: 2021-09-01. Review status: criteria provided, single submitter. Criteria: Invitae Variant Classification Sherloc (09022015). Collection method: clinical testing. Allele origin: germline.
Comment: This sequence change replaces asparagine with tyrosine at codon 1066 of the MEGF10 protein (p.Asn1066Tyr). The asparagine residue is moderately conserved and there is a large physicochemical difference between asparagine and tyrosine. This variant is present in population databases (rs200848884, ExAC 0.004%). This variant has not been reported in the literature in individuals affected with MEGF10-related conditions. Algorithms developed to predict the effect of missense changes on protein structure and function are either unavailable or do not agree on the potential impact of this missense change (SIFT: "Deleterious"; PolyPhen-2: "Possibly Damaging"; Align-GVGD: "Class C0"). In summary, the available evidence is currently insufficient to determine the role of this variant in disease. Therefore, it has been classified as a Variant of Uncertain Significance.